The following is an entry in ClinVar:

NC_000006.11:g.(?_76621369)_(76782205_?)del

Genes: IMPG1 (interphotoreceptor matrix proteoglycan 1; minus strand), MYO6 (myosin VI; plus strand). Cytogenetic location: 6q14.1.
Variant type: Deletion.
Identifiers: ClinVar variation 2425274 (VCV002425274.4).

ClinVar aggregate classification (germline): Pathogenic (1 of 4 stars; one submission).

Submission:

Labcorp Genetics (formerly Invitae), Labcorp
Classification: Pathogenic. Last evaluated: 2021-11-27. Review status: criteria provided, single submitter. Criteria: Invitae Variant Classification Sherloc (09022015). Collection method: clinical testing. Allele origin: germline.
Comment: For these reasons, this variant has been classified as Pathogenic. This variant disrupts a region of the MYO6 protein in which other variant(s) (p.Arg1204Trp) have been determined to be pathogenic (PMID: 23340379). This suggests that this is a clinically significant region of the protein, and that variants that disrupt it are likely to be disease-causing. This variant has not been reported in the literature in individuals affected with MYO6-related conditions. This variant is a gross deletion of the genomic region encompassing exon(s) 33-35 of the MYO6 gene, which includes the termination codon. This deletion extends beyond the assayed region for this gene and therefore may encompass additional genes. While this deletion is not anticipated to lead to nonsense mediated decay, it is expected to alter mRNA translation or result in a truncated protein product.

Literature cited by the submitters: PubMed 23340379.